The following is an entry in ClinVar:

ClinVar aggregate classification (germline): Uncertain significance. Review status: criteria provided, multiple submitters, no conflicts (2 of 4 stars). 2 submissions from 2 submitters: Uncertain significance (2). Last evaluated 2025-12-16.

Conditions:
Severe combined immunodeficiency due to DNA-PKcs deficiency. Also called: IMMUNODEFICIENCY 26 WITH NEUROLOGIC ABNORMALITIES; Immunodeficiency 26 with or without neurologic abnormalities. Identifiers: Orphanet 317425, MedGen C4014833, MONDO:0014423, OMIM 615966.

Allele frequency attached by ClinVar (database versions not stated): TOPMed 0.00001; gnomAD 0.00001; gnomAD exomes 0.00001; ExAC 0.00006.
gnomAD v4.1: 18 of 1,581,548 alleles (0.0011%); highest among the groups gnomAD compares: Admixed American, 0.0018%; no homozygotes.

Submissions (2):

Labcorp Genetics (formerly Invitae), Labcorp
Classification: Uncertain significance for Severe combined immunodeficiency due to DNA-PKcs deficiency. Last evaluated: 2025-12-16. Review status: criteria provided, single submitter. Criteria: Invitae Variant Classification Sherloc (09022015). Collection method: clinical testing. Allele origin: germline.
Comment: This sequence change replaces alanine, which is neutral and non-polar, with threonine, which is neutral and polar, at codon 2318 of the PRKDC protein (p.Ala2318Thr). The frequency data for this variant in the population databases is considered unreliable, as metrics indicate poor data quality at this position in the gnomAD database. This variant has not been reported in the literature in individuals affected with PRKDC-related conditions. ClinVar contains an entry for this variant (Variation ID: 548543). Invitae Evidence Modeling of protein sequence and biophysical properties (such as structural, functional, and spatial information, amino acid conservation, physicochemical variation, residue mobility, and thermodynamic stability) has been performed for this missense variant. However, the output from this modeling did not meet the statistical confidence thresholds required to predict the impact of this variant on PRKDC protein function. In summary, the available evidence is currently insufficient to determine the role of this variant in disease. Therefore, it has been classified as a Variant of Uncertain Significance.

Genomic Research Center, Shahid Beheshti University of Medical Sciences
Classification: Uncertain significance for Severe combined immunodeficiency due to DNA-PKcs deficiency. Last evaluated: 2018-03-05. Review status: criteria provided, single submitter. Criteria: ACMG Guidelines, 2015. Collection method: clinical testing. Allele origin: inherited. Affected: no. Observed: 1 variant allele.

NM_006904.7(PRKDC):c.6952G>A (p.Ala2318Thr)

Gene: PRKDC (protein kinase, DNA-activated, catalytic subunit; minus strand). Cytogenetic location: 8q11.21.
Variant type: single nucleotide variant.
Coding change: c.6952G>A on transcript NM_006904.7 (MANE Select); coding-DNA position 6952, G replaced by A.
Protein change: p.Ala2318Thr; replaces alanine 2318 with threonine.
Molecular consequence: missense variant.
Genome position (GRCh38, 1-based): chr8:47,852,726, C>T on the plus strand (G>A on the coding strand, the complement: PRKDC is on the minus strand). VCF-style: chr8-47852726-C-T. GRCh37 (hg19) VCF-style: chr8-48765287-C-T.
Other names: c.6952G>A, p.Ala2318Thr (NM_001081640.2); short protein forms A2318T.
Identifiers: ClinVar variation 548543 (VCV000548543.7), dbSNP rs779732085, ClinGen allele CA4740218.